The following is an entry in ClinVar:

NM_015443.4(KANSL1):c.1826G>A (p.Ser609Asn)

Gene: KANSL1 (KAT8 regulatory NSL complex subunit 1). Cytogenetic location: 17q21.31.
Variant type: single nucleotide variant.
Coding change: c.1826G>A on transcript NM_015443.4 (MANE Select); coding-DNA position 1826, G replaced by A.
Protein change: p.Ser609Asn; replaces serine 609 with asparagine.
Molecular consequence: missense variant.
Genome position (GRCh38, 1-based): chr17:46,066,559, C>T on the plus strand (G>A on the coding strand, the complement: KANSL1 is on the minus strand). VCF-style: chr17-46066559-C-T. GRCh37 (hg19) VCF-style: chr17-44143925-C-T.
Other names: c.1826G>A, p.Ser609Asn (NM_001193465.2, NM_001193466.2, NM_001379198.1); short protein forms S609N.
Identifiers: ClinVar variation 376914 (VCV000376914.44), dbSNP rs138698439, ClinGen allele CA8618721.

ClinVar aggregate classification (germline): Conflicting classifications of pathogenicity. Review status: criteria provided, conflicting classifications (1 of 4 stars). 7 submissions from 7 submitters: Uncertain significance (1); Benign (3); Likely benign (3). Last evaluated 2026-05-01.

Conditions:
Koolen-de Vries syndrome (KDVS). Identifiers: Orphanet 96169, MedGen C1864871, MONDO:0012496, OMIM 610443.

Allele frequency attached by ClinVar (database versions not stated): gnomAD exomes 0.00048; ExAC 0.00056; gnomAD 0.00141 and 0.00157; TOPMed 0.00168; ESP Exome Variant Server 0.00177; 1000 Genomes Project 30x 0.00203; 1000 Genomes Project 0.00220.
gnomAD v4.1: 611 of 1,613,310 alleles (0.038%); highest among the groups gnomAD compares: African/African-American, 0.46%; 2 homozygotes.

Submissions (7):

CeGaT Center for Human Genetics Tuebingen
Classification: Likely benign. Last evaluated: 2026-05-01. Review status: criteria provided, single submitter. Criteria: CeGaT Center For Human Genetics Tuebingen Variant Classification Criteria Version 2. Collection method: clinical testing. Allele origin: germline. Affected: yes. Observed: 3 variant alleles.
Comment: KANSL1: BS1

Labcorp Genetics (formerly Invitae), Labcorp
Classification: Benign for Koolen-de Vries syndrome. Last evaluated: 2026-01-28. Review status: criteria provided, single submitter. Criteria: Invitae Variant Classification Sherloc (09022015). Collection method: clinical testing. Allele origin: germline.

Blueprint Genetics
Classification: Likely benign. Last evaluated: 2024-11-27. Review status: criteria provided, single submitter. Criteria: ACMG Guidelines, 2015. Collection method: clinical testing. Allele origin: germline.

Center for Genomics, Ann and Robert H. Lurie Children's Hospital of Chicago
Classification: Uncertain significance for Koolen-de Vries syndrome. Last evaluated: 2021-03-30. Review status: criteria provided, single submitter. Criteria: ACMG Guidelines, 2015. Collection method: clinical testing. Allele origin: germline.
Comment: KANSL1 NM_001193466 exon 6 p.Ser609Asn (c.1826G>A): This variant has not been reported in the literature but is present in 0.4% (115/24030) of African alleles in the Genome Aggregation Database. This variant is present in ClinVar (Variation ID:376914). Evolutionary conservation and computational predictive tools suggest that this variant may not impact the protein. In summary, data on this variant is insufficient for disease classification. Therefore, the clinical significance of this variant is uncertain.

Athena Diagnostics
Classification: Benign. Last evaluated: 2019-05-31. Review status: criteria provided, single submitter. Criteria: Athena Diagnostics Criteria. Collection method: clinical testing. Allele origin: germline.

Center for Pediatric Genomic Medicine, Children's Mercy Hospital and Clinics
Classification: Likely benign. Last evaluated: 2016-11-22. Review status: criteria provided, single submitter. Criteria: ACMG Guidelines, 2015. Collection method: clinical testing. Allele origin: germline.
ClinVar note: Converted during submission from Likely Benign to Likely benign.

GeneDx
Classification: Benign. Last evaluated: 2015-03-03. Review status: criteria provided, single submitter. Criteria: GeneDx Variant Classification Process June 2021. Collection method: clinical testing. Allele origin: germline. Affected: yes.
Comment: This variant is associated with the following publications: (PMID: 30924900)